The following is an entry in ClinVar:

NM_000353.3(TAT):c.412G>A (p.Val138Ile)

Genes: TAT (tyrosine aminotransferase; minus strand), LOC111413029 (BRD4-independent group 4 enhancer GRCh37_chr16:71605697-71606896; plus strand). Cytogenetic location: 16q22.2.
Variant type: single nucleotide variant.
Coding change: c.412G>A on transcript NM_000353.3 (MANE Select); coding-DNA position 412, G replaced by A.
Protein change: p.Val138Ile; replaces valine 138 with isoleucine.
Molecular consequence: missense variant.
Genome position (GRCh38, 1-based): chr16:71,572,685, C>T on the plus strand (G>A on the coding strand, the complement: TAT is on the minus strand). VCF-style: chr16-71572685-C-T. GRCh37 (hg19) VCF-style: chr16-71606588-C-T.
Other names: p.V138I; short protein forms V138I.
Identifiers: ClinVar variation 4076950 (VCV004076950.3).

ClinVar aggregate classification (germline): Uncertain significance. Review status: criteria provided, multiple submitters, no conflicts (2 of 4 stars). 3 submissions from 3 submitters: Uncertain significance (2). 1 of the submissions does not count toward it. Last evaluated 2026-05-01.

Conditions:
Tyrosinemia type II (TYRSN2). Also called: KERATOSIS PALMOPLANTARIS WITH CORNEAL DYSTROPHY; OREGON TYPE TYROSINEMIA; TAT DEFICIENCY; TYROSINE AMINOTRANSFERASE DEFICIENCY; TYROSINE TRANSAMINASE DEFICIENCY. Identifiers: Orphanet 28378, MedGen C0268487, MONDO:0010160, OMIM 276600.

gnomAD v4.1: 129 of 1,614,136 alleles (0.008%); highest among the groups gnomAD compares: Middle Eastern, 0.049%; no homozygotes.

Submissions (3):

Women's Health and Genetics/Laboratory Corporation of America, LabCorp
Classification: Uncertain significance. Last evaluated: 2026-05-01. Review status: criteria provided, single submitter. Criteria: LabCorp Variant Classification Summary - May 2015. Collection method: clinical testing. Allele origin: germline.
Comment: Variant summary: TAT c.412G>A (p.Val138Ile) results in a conservative amino acid change in the encoded protein sequence. Algorithms developed to predict the effect of missense changes on protein structure and function are either unavailable or do not agree on the potential impact of this missense change. The variant allele was found at a frequency of 8e-05 in 251404 control chromosomes (gnomAD). This frequency is not significantly higher than estimated for disease-causing variants in TAT, allowing no conclusion about variant significance. To our knowledge, no occurrence of c.412G>A in individuals affected with TAT-related conditions and no experimental evidence demonstrating its impact on protein function have been reported in the literature. ClinVar contains an entry for this variant (Variation ID: 4076950). Based on the evidence outlined above, the variant was classified as uncertain significance.

Myriad Genetics, Inc.
Classification: Uncertain significance for Tyrosinemia type II. Last evaluated: 2025-10-07. Review status: criteria provided, single submitter. Criteria: Myriad Autosomal Dominant, Autosomal Recessive and X-Linked Classification Criteria (2023). Collection method: clinical testing. Allele origin: unknown.
Comment: NM_000353.2(TAT):c.412G>A(V138I) is a missense variant classified as a variant of uncertain significance in the context of tyrosinemia type II. V138I has not been observed in cases with relevant disease. Relevant functional assessments of this variant are not available in the literature. V138I has been observed in referenced population frequency databases. In summary, there is insufficient evidence to classify NM_000353.2(TAT):c.412G>A(V138I) as pathogenic or benign. Please note: this variant was assessed in the context of healthy population screening.

Human Molecular Lab, Hazara University
Classification: Likely pathogenic for Tyrosinemia type II. Last evaluated: 2025-02-02. Review status: no assertion criteria provided. Collection method: research. Allele origin: inherited. Inheritance: Autosomal recessive inheritance. Affected: yes. Observed: 1 variant allele, 1 homozygote. Not counted in ClinVar's aggregate classification.
Comment: The NM_000353.2:c.412G>A (p.Val138Ile) variant in the TAT gene is a missense variant resulting in the substitution of valine with isoleucine at codon 138. Valine at this position is highly conserved across species, and while the physicochemical difference between valine and isoleucine is relatively small, the change occurs in a functionally important domain of the tyrosine aminotransferase protein, This variant has been reported in multiple individuals with clinical features consistent with tyrosinemia type II (Richner-Hanhart syndrome), including corneal lesions and palmoplantar hyperkeratosis.